The following is an entry in ClinVar:

NM_025144.4(ALPK1):c.1954del (p.Glu652fs)

Gene: ALPK1 (alpha kinase 1; plus strand). Cytogenetic location: 4q25.
Variant type: Deletion.
Coding change: c.1954del on transcript NM_025144.4 (MANE Select); coding-DNA position 1954, one base deleted (G; older notation c.1954delG).
Protein change: p.Glu652fs; shifts the reading frame from glutamic acid 652.
Molecular consequence: frameshift variant.
Genome position (GRCh38, 1-based): chr4:112,431,501, G deleted; the last of 2 consecutive G bases (chr4:112,431,500-112,431,501); deleting either gives the same sequence. VCF-style (leftmost placement, unchanged base first): chr4-112431499-AG-A. GRCh37 (hg19) VCF-style: chr4-113352655-AG-A.
Other names: c.1954del, p.Glu652fs (NM_001102406.2); c.1720del, p.Glu574fs (NM_001253884.2); short protein forms E652fs, E574fs.
Identifiers: ClinVar variation 4731141 (VCV004731141.1).

ClinVar aggregate classification (germline): Uncertain significance (1 of 4 stars; one submission).

Submission:

Labcorp Genetics (formerly Invitae), Labcorp
Classification: Uncertain significance. Last evaluated: 2025-12-16. Review status: criteria provided, single submitter. Criteria: Invitae Variant Classification Sherloc (09022015). Collection method: clinical testing. Allele origin: germline.
Comment: This sequence change creates a premature translational stop signal (p.Glu652Asnfs*20) in the ALPK1 gene. It is expected to result in an absent or disrupted protein product. However, the current clinical and genetic evidence is not sufficient to establish whether loss-of-function variants in ALPK1 cause disease. This variant is not present in population databases (gnomAD no frequency). This variant has not been reported in the literature in individuals affected with ALPK1-related conditions. In summary, the available evidence is currently insufficient to determine the role of this variant in disease. Therefore, it has been classified as a Variant of Uncertain Significance.